The following is an entry in ClinVar:

ClinVar aggregate classification (germline): Likely pathogenic (1 of 4 stars; one submission).

Conditions:
Hereditary diffuse gastric adenocarcinoma (HDGC). Also called: DIFFUSE GASTRIC AND LOBULAR BREAST CANCER SYNDROME. Identifiers: Orphanet 26106, MedGen C1708349, MONDO:0007648, OMIM 137215.

Submission:

Labcorp Genetics (formerly Invitae), Labcorp
Classification: Likely pathogenic for Hereditary diffuse gastric adenocarcinoma. Last evaluated: 2021-11-14. Review status: criteria provided, single submitter. Criteria: Invitae Variant Classification Sherloc (09022015). Collection method: clinical testing. Allele origin: germline.
Comment: This sequence change affects an acceptor splice site in intron 8 of the CDH1 gene. It is expected to disrupt RNA splicing. Variants that disrupt the donor or acceptor splice site typically lead to a loss of protein function (PMID: 16199547), and loss-of-function variants in CDH1 are known to be pathogenic (PMID: 15235021, 20373070). In summary, the currently available evidence indicates that the variant is pathogenic, but additional data are needed to prove that conclusively. Therefore, this variant has been classified as Likely Pathogenic. Algorithms developed to predict the effect of sequence changes on RNA splicing suggest that this variant may disrupt the consensus splice site. This variant has not been reported in the literature in individuals affected with CDH1-related conditions. This variant is not present in population databases (gnomAD no frequency).

Literature cited by the submitters: PubMed 16199547; PubMed 15235021; PubMed 20373070.

NM_004360.5(CDH1):c.1138-2A>G

Gene: CDH1 (cadherin 1; plus strand). Cytogenetic location: 16q22.1.
Variant type: single nucleotide variant.
Coding change: c.1138-2A>G on transcript NM_004360.5 (MANE Select); the canonical splice acceptor site of the intron before coding-DNA position 1138, A replaced by G.
Molecular consequence: splice acceptor variant. On other transcripts: intron variant (1).
Genome position (GRCh38, 1-based): chr16:68,813,311, A>G. VCF-style: chr16-68813311-A-G. GRCh37 (hg19) VCF-style: chr16-68847214-A-G.
Other names: c.-478-2A>G (NM_001317185.2); c.-682-2A>G (NM_001317186.2); c.1137+1048A>G (NM_001317184.2).
Identifiers: ClinVar variation 1517552 (VCV001517552.6), dbSNP rs2152133290, ClinGen allele CA396460971.